The following is an entry in ClinVar:

ClinVar aggregate classification (germline): Likely benign (0 of 4 stars; one submission).

Conditions:
AGT-related disorder. Also called: AGT-related condition.

Submission:

PreventionGenetics, part of Exact Sciences
Classification: Likely benign for AGT-related condition. Last evaluated: 2024-06-14. Review status: no assertion criteria provided. Collection method: clinical testing. Allele origin: germline.
Comment: This variant is classified as likely benign based on ACMG/AMP sequence variant interpretation guidelines (Richards et al. 2015 PMID: 25741868, with internal and published modifications).

NM_001384479.1(AGT):c.384G>C (p.Thr128=)

Gene: AGT (angiotensinogen; minus strand). Cytogenetic location: 1q42.2.
Variant type: single nucleotide variant.
Coding change: c.384G>C on transcript NM_001384479.1 (MANE Select); coding-DNA position 384, G replaced by C.
Protein change: p.Thr128=; no amino-acid change (threonine 128 retained).
Molecular consequence: synonymous variant.
Genome position (GRCh38, 1-based): chr1:230,710,440, C>G on the plus strand (G>C on the coding strand, the complement: AGT is on the minus strand). VCF-style: chr1-230710440-C-G. GRCh37 (hg19) VCF-style: chr1-230846186-C-G.
Other names: NM_000029.3:c.411G>C; c.384G>C, p.Thr128= (NM_001382817.3).
Identifiers: ClinVar variation 3351636 (VCV003351636.1).
Genomic context (GRCh38, chr1:230,710,440, plus strand): 5'-CCTGTCAGCTGTGTGGTCCAAGGCTCCCAGATAGAGAGAGGCCAGGGTGCCAAAGACAGC[C>G]GTTGGGGAGAGGACGGTGGCCCCATGGACCACGCCCCATAGCTCACTGTGCATGCCATAT-3'
Protein context (NP_001371408.1, residues 118-138): VVHGATVLSP[Thr128=]AVFGTLASLY